The following is an entry in ClinVar:

ClinVar aggregate classification (germline): Uncertain significance (1 of 4 stars; one submission).

Submission:

Ambry Genetics
Classification: Uncertain significance. Last evaluated: 2025-06-08. Review status: criteria provided, single submitter. Criteria: Ambry Variant Classification Scheme 2023. Collection method: clinical testing. Allele origin: germline.
Comment: The p.K233N variant (also known as c.699G>C), located in coding exon 3 of the GFI1 gene, results from a G to C substitution at nucleotide position 699. The lysine at codon 233 is replaced by asparagine, an amino acid with similar properties. This amino acid position is conserved. In addition, this alteration is predicted to be tolerated by in silico analysis. Based on the available evidence, the clinical significance of this variant remains unclear.

NM_005263.5(GFI1):c.699G>C (p.Lys233Asn)

Gene: GFI1 (growth factor independent 1 transcriptional repressor; minus strand). Cytogenetic location: 1p22.1.
Variant type: single nucleotide variant.
Coding change: c.699G>C on transcript NM_005263.5 (MANE Select); coding-DNA position 699, G replaced by C.
Protein change: p.Lys233Asn; replaces lysine 233 with asparagine.
Molecular consequence: missense variant.
Genome position (GRCh38, 1-based): chr1:92,480,688, C>G on the plus strand (G>C on the coding strand, the complement: GFI1 is on the minus strand). VCF-style: chr1-92480688-C-G. GRCh37 (hg19) VCF-style: chr1-92946245-C-G.
Other names: c.699G>C, p.Lys233Asn (NM_001127215.3, NM_001127216.3); short protein forms K233N.
Identifiers: ClinVar variation 4029448 (VCV004029448.1).